The following is an entry in ClinVar:

ClinVar aggregate classification (germline): Pathogenic (1 of 4 stars; one submission).

Conditions:
Polycystic kidney disease, adult type (PKD1). Also called: Polycystic Kidney Disease 1, Autosomal Dominant; Polycystic kidney disease 1; Polycystic kidney disease 1, severe; POLYCYSTIC KIDNEY DISEASE, ADULT, TYPE I; Polycystic Kidney, Autosomal Dominant; POLYCYSTIC KIDNEY DISEASE 1 WITH OR WITHOUT POLYCYSTIC LIVER DISEASE. Identifiers: MedGen C3149841, MONDO:0008263, OMIM 173900.

Submission:

MVZ Medizinische Genetik Mainz
Classification: Pathogenic for Polycystic kidney disease, adult type. Last evaluated: 2025-01-31. Review status: criteria provided, single submitter. Criteria: UK Practice Guidelines For Variant Classification V4 01 2020. Collection method: clinical testing. Allele origin: germline. Inheritance: Autosomal dominant inheritance. Affected: yes. Observed: 1 variant allele.
Comment: ACMG Criteria: PVS1,PM2_SUP,PP4

NM_001009944.3(PKD1):c.10230_10231dup (p.Trp3411fs)

Gene: PKD1 (polycystin 1, transient receptor potential channel interacting; minus strand). Cytogenetic location: 16p13.3.
Variant type: Duplication.
Coding change: c.10230_10231dup on transcript NM_001009944.3 (MANE Select); coding-DNA positions 10230 to 10231, 2 bases duplicated (CT; older notation c.10230_10231dupCT).
Protein change: p.Trp3411fs; shifts the reading frame from tryptophan 3411.
Molecular consequence: frameshift variant.
Genome position (GRCh38, 1-based): chr16:2,097,493-2,097,494, AG duplicated on the plus strand (CT on the coding strand, the reverse complement: PKD1 is on the minus strand). VCF-style (leftmost placement, unchanged base first): chr16-2097492-C-CAG. GRCh37 (hg19) VCF-style: chr16-2147493-C-CAG.
Other names: c.10227_10228dup, p.Trp3410fs (NM_000296.4); short protein forms W3410fs, W3411fs.
Identifiers: ClinVar variation 3764783 (VCV003764783.1).